The following is an entry in ClinVar:

ClinVar aggregate classification (germline): Uncertain significance (1 of 4 stars; one submission).

gnomAD v4.1: 13 of 1,614,132 alleles (0.00081%); highest among the groups gnomAD compares: Admixed American, 0.0033%; no homozygotes.

Submission:

GeneDx
Classification: Uncertain significance. Last evaluated: 2024-08-19. Review status: criteria provided, single submitter. Criteria: GeneDx Variant Classification Process June 2021. Collection method: clinical testing. Allele origin: germline. Affected: yes.
Comment: Not observed at significant frequency in large population cohorts (gnomAD); In silico analysis indicates that this missense variant does not alter protein structure/function; Has not been previously published as pathogenic or benign to our knowledge

NM_001040436.3(YARS2):c.166G>A (p.Gly56Arg)

Gene: YARS2 (tyrosyl-tRNA synthetase 2; minus strand). Cytogenetic location: 12p11.21.
Variant type: single nucleotide variant.
Coding change: c.166G>A on transcript NM_001040436.3 (MANE Select); coding-DNA position 166, G replaced by A.
Protein change: p.Gly56Arg; replaces glycine 56 with arginine.
Molecular consequence: missense variant.
Genome position (GRCh38, 1-based): chr12:32,755,709, C>T on the plus strand (G>A on the coding strand, the complement: YARS2 is on the minus strand). VCF-style: chr12-32755709-C-T. GRCh37 (hg19) VCF-style: chr12-32908643-C-T.
Other names: short protein forms G56R.
Identifiers: ClinVar variation 3764160 (VCV003764160.1).